The following is an entry in ClinVar:

NM_053025.4(MYLK):c.5500+4A>T

Genes: MYLK (myosin light chain kinase; minus strand), MYLK-AS1 (MYLK antisense RNA 1; plus strand). Cytogenetic location: 3q21.1.
Variant type: single nucleotide variant.
Coding change: c.5500+4A>T on transcript NM_053025.4 (MANE Select); 4 bases into the intron after coding-DNA position 5500, A replaced by T.
Molecular consequence: intron variant.
Genome position (GRCh38, 1-based): chr3:123,618,635, T>A on the plus strand (A>T on the coding strand, the complement: MYLK is on the minus strand). VCF-style: chr3-123618635-T-A. GRCh37 (hg19) VCF-style: chr3-123337482-T-A.
Other names: c.4972+4A>T (NM_001321309.2); c.5140+4A>T (NM_053028.4); c.5293+4A>T (NM_053026.4); c.5347+4A>T (NM_053027.4); c.217+4A>T (NM_001438035.1, NM_053031.4); c.220+4A>T (NM_053032.4).
Identifiers: ClinVar variation 4860613 (VCV004860613.1).

ClinVar aggregate classification (germline): Uncertain significance (1 of 4 stars; one submission).

Conditions:
Familial thoracic aortic aneurysm and aortic dissection (TAAD). Also called: Thoracic aortic aneurysms and dissections. Identifiers: Orphanet 91387, MedGen C4707243, MONDO:0019625.

gnomAD v4.1: 7 of 1,613,924 alleles (0.00043%); highest among the groups gnomAD compares: South Asian, 0.0077%; no homozygotes.

Submission:

Ambry Genetics
Classification: Uncertain significance for Familial thoracic aortic aneurysm and aortic dissection. Last evaluated: 2026-04-28. Review status: criteria provided, single submitter. Criteria: Ambry Variant Classification Scheme 2023. Collection method: clinical testing. Allele origin: germline.
Comment: The c.5500+4A>T intronic variant results from an A to T substitution 4 nucleotides after coding exon 30 in the MYLK gene. This nucleotide position is well conserved in available vertebrate species. In silico splice site analysis predicts that this alteration will not have any significant effect on splicing. Based on the available evidence, the clinical significance of this variant remains unclear.